The following is an entry in ClinVar:

NM_013352.4(DSE):c.1624G>T (p.Val542Leu)

Gene: DSE (dermatan sulfate epimerase; plus strand). Cytogenetic location: 6q22.1.
Variant type: single nucleotide variant.
Coding change: c.1624G>T on transcript NM_013352.4 (MANE Select); coding-DNA position 1624, G replaced by T.
Protein change: p.Val542Leu; replaces valine 542 with leucine.
Molecular consequence: missense variant. On other transcripts: non-coding transcript variant (1), 3 prime UTR variant (2).
Genome position (GRCh38, 1-based): chr6:116,436,092, G>T. VCF-style: chr6-116436092-G-T. GRCh37 (hg19) VCF-style: chr6-116757255-G-T.
Other names: c.1624G>T, p.Val542Leu (NM_001080976.3, NM_001322937.2, NM_001322938.2); c.1681G>T, p.Val561Leu (NM_001322939.2); c.1063G>T, p.Val355Leu (NM_001322940.2, NM_001322941.2); c.*489G>T (NM_001322943.2, NM_001322944.2); c.625G>T, p.Val209Leu (NM_001374520.1); c.589G>T, p.Val197Leu (NM_001374521.1); short protein forms V561L, V355L, V542L, V197L, V209L.
Identifiers: ClinVar variation 3664656 (VCV003664656.3).
Genomic context (GRCh38, chr6:116,436,092, plus strand): 5'-CAGGGGAGGGTGGTTGCAGCAGAGGAGAAAAATGGGGTGGTTTTCATCCGAGGAGAAGGT[G>T]TGGGAGCTTATAACCCCCAGCTCAACCTGAAGAATGTTCAGAGGAATCTCATCCTCCTAC-3'
Protein context (NP_037484.1, residues 532-552): NGVVFIRGEG[Val542Leu]GAYNPQLNLK

ClinVar aggregate classification (germline): Uncertain significance. Review status: criteria provided, multiple submitters, no conflicts (2 of 4 stars). 2 submissions from 2 submitters: Uncertain significance (2). Last evaluated 2025-02-26.

Conditions:
Ehlers-Danlos syndrome, musculocontractural type 2 (EDSMC2). Identifiers: Orphanet 2953, MedGen C3809845, MONDO:0014236, OMIM 615539.

gnomAD v4.1: 88 of 1,613,196 alleles (0.0055%); highest among the groups gnomAD compares: Non-Finnish European, 0.0071%; no homozygotes.

Submissions (2):

Women's Health and Genetics/Laboratory Corporation of America, LabCorp
Classification: Uncertain significance. Last evaluated: 2025-02-26. Review status: criteria provided, single submitter. Criteria: LabCorp Variant Classification Summary - May 2015. Collection method: clinical testing. Allele origin: germline.
Comment: Variant summary: DSE c.1624G>T (p.Val542Leu) results in a conservative amino acid change in the encoded protein sequence. Four of five in-silico tools predict a benign effect of the variant on protein function. The variant allele was found at a frequency of 1.6e-05 in 251244 control chromosomes. The available data on variant occurrences in the general population are insufficient to allow any conclusion about variant significance. To our knowledge, no occurrence of c.1624G>T in individuals affected with Ehlers-Danlos syndrome, musculocontractural type 2 and no experimental evidence demonstrating its impact on protein function have been reported. No submitters have cited clinical-significance assessments for this variant to ClinVar. Based on the evidence outlined above, the variant was classified as uncertain significance.

Labcorp Genetics (formerly Invitae), Labcorp
Classification: Uncertain significance for Ehlers-Danlos syndrome, musculocontractural type 2. Last evaluated: 2024-10-19. Review status: criteria provided, single submitter. Criteria: Invitae Variant Classification Sherloc (09022015). Collection method: clinical testing. Allele origin: germline.
Comment: This sequence change replaces valine, which is neutral and non-polar, with leucine, which is neutral and non-polar, at codon 542 of the DSE protein (p.Val542Leu). This variant is present in population databases (rs756422407, gnomAD 0.005%). This variant has not been reported in the literature in individuals affected with DSE-related conditions. Invitae Evidence Modeling of protein sequence and biophysical properties (such as structural, functional, and spatial information, amino acid conservation, physicochemical variation, residue mobility, and thermodynamic stability) indicates that this missense variant is not expected to disrupt DSE protein function with a negative predictive value of 80%. In summary, the available evidence is currently insufficient to determine the role of this variant in disease. Therefore, it has been classified as a Variant of Uncertain Significance.